The following is an entry in ClinVar:

NM_004364.5(CEBPA):c.404C>T (p.Ala135Val)

Gene: CEBPA (CCAAT enhancer binding protein alpha; minus strand). Cytogenetic location: 19q13.11.
Variant type: single nucleotide variant.
Coding change: c.404C>T on transcript NM_004364.5 (MANE Select); coding-DNA position 404, C replaced by T.
Protein change: p.Ala135Val; replaces alanine 135 with valine.
Molecular consequence: missense variant.
Genome position (GRCh38, 1-based): chr19:33,302,011, G>A on the plus strand (C>T on the coding strand, the complement: CEBPA is on the minus strand). VCF-style: chr19-33302011-G-A. GRCh37 (hg19) VCF-style: chr19-33792917-G-A.
Other names: c.47C>T, p.Ala16Val (NM_001285829.2); c.509C>T, p.Ala170Val (NM_001287424.2); c.362C>T, p.Ala121Val (NM_001287435.2); short protein forms A135V, A16V, A121V, A170V.
Identifiers: ClinVar variation 4824859 (VCV004824859.1).
Genomic context (GRCh38, chr19:33,302,011, plus strand): 5'-AGCGCCGGCGCCCCGACGCGCTCGTACAGGGGCTCCAGCCTGCCGTCCAGGTAGCCGGCG[G>A]CCGCGCAGCCGTAGCCGGGCGGGGGCCCGTGCGCTCCCCCGGGCATGACGGCGCCGCCGG-3'
Protein context (NP_004355.2, residues 125-145): HGPPPGYGCA[Ala135Val]AGYLDGRLEP

ClinVar aggregate classification (germline): Uncertain significance (1 of 4 stars; one submission).

Conditions:
Inborn genetic diseases. Identifiers: MedGen C0950123, MeSH D030342.

Submission:

Ambry Genetics
Classification: Uncertain significance for Inborn genetic diseases. Last evaluated: 2026-01-22. Review status: criteria provided, single submitter. Criteria: Ambry Variant Classification Scheme 2023. Collection method: clinical testing. Allele origin: germline.
Comment: The p.A135V variant (also known as c.404C>T), located in coding exon 1 of the CEBPA gene, results from a C to T substitution at nucleotide position 404. The alanine at codon 135 is replaced by valine, an amino acid with similar properties. This amino acid position is conserved. In addition, this alteration is predicted to be tolerated by in silico analysis. Based on the available evidence, the clinical significance of this variant remains unclear.